The following is an entry in ClinVar:

ClinVar aggregate classification (germline): Uncertain significance (1 of 4 stars; one submission).

Conditions:
Idiopathic generalized epilepsy. Also called: EIG; Generalised epilepsy. Identifiers: MedGen C0270850, MONDO:0005579, OMIM 600669.
Hyperaldosteronism, familial, type IV (HALD4). Also called: FH IV; ALDOSTERONISM, PRIMARY, AND HYPERTENSION. Identifiers: Orphanet 642671, MedGen C4310756, MONDO:0014875, OMIM 617027.

gnomAD v4.1: 4 of 1,577,616 alleles (0.00025%); highest among the groups gnomAD compares: Middle Eastern, 0.017%; no homozygotes.

Submission:

Labcorp Genetics (formerly Invitae), Labcorp
Classification: Uncertain significance for Idiopathic generalized epilepsy; Hyperaldosteronism, familial, type IV. Last evaluated: 2025-12-01. Review status: criteria provided, single submitter. Criteria: Invitae Variant Classification Sherloc (09022015). Collection method: clinical testing. Allele origin: germline.
Comment: This sequence change replaces threonine, which is neutral and polar, with isoleucine, which is neutral and non-polar, at codon 628 of the CACNA1H protein (p.Thr628Ile). This variant is not present in population databases (gnomAD no frequency). This variant has not been reported in the literature in individuals affected with CACNA1H-related conditions. Invitae Evidence Modeling of protein sequence and biophysical properties (such as structural, functional, and spatial information, amino acid conservation, physicochemical variation, residue mobility, and thermodynamic stability) indicates that this missense variant is not expected to disrupt CACNA1H protein function with a negative predictive value of 80%. In summary, the available evidence is currently insufficient to determine the role of this variant in disease. Therefore, it has been classified as a Variant of Uncertain Significance.

NM_021098.3(CACNA1H):c.1883C>T (p.Thr628Ile)

Gene: CACNA1H (calcium voltage-gated channel subunit alpha1 H; plus strand). Cytogenetic location: 16p13.3.
Variant type: single nucleotide variant.
Coding change: c.1883C>T on transcript NM_021098.3 (MANE Select); coding-DNA position 1883, C replaced by T.
Protein change: p.Thr628Ile; replaces threonine 628 with isoleucine.
Molecular consequence: missense variant.
Genome position (GRCh38, 1-based): chr16:1,202,333, C>T. VCF-style: chr16-1202333-C-T. GRCh37 (hg19) VCF-style: chr16-1252333-C-T.
Other names: c.1883C>T, p.Thr628Ile (NM_001005407.2); short protein forms T628I.
Identifiers: ClinVar variation 4787809 (VCV004787809.1).
Genomic context (GRCh38, chr16:1,202,333, plus strand): 5'-TGGGCACCATGAACTACCCCACGATCCTGCCCTCAGGGGTGGGCAGCGGCAAAGGCAGCA[C>T]CAGCCCCGGACCCAAGGGGAAGTGGGCCGGTGGACCGCCAGGCACCGGGGGGCACGGCCC-3'
Protein context (NP_066921.2, residues 618-638): PSGVGSGKGS[Thr628Ile]SPGPKGKWAG